The following is an entry in ClinVar:

NM_000090.4(COL3A1):c.2318C>G (p.Ala773Gly)

Gene: COL3A1 (collagen type III alpha 1 chain; plus strand). Cytogenetic location: 2q32.2.
Variant type: single nucleotide variant.
Coding change: c.2318C>G on transcript NM_000090.4 (MANE Select); coding-DNA position 2318, C replaced by G.
Protein change: p.Ala773Gly; replaces alanine 773 with glycine.
Molecular consequence: missense variant.
Genome position (GRCh38, 1-based): chr2:189,001,431, C>G. VCF-style: chr2-189001431-C-G. GRCh37 (hg19) VCF-style: chr2-189866157-C-G.
Other names: short protein forms A773G.
Identifiers: ClinVar variation 1332467 (VCV001332467.3), dbSNP rs2153503231, ClinGen allele CA349842404.
Genomic context (GRCh38, chr2:189,001,431, plus strand): 5'-TTAAAAAATATTTTTATTTCCTCTAGGGTCCTACTGGTCCTATTGGTCCTCCTGGCCCAG[C>G]TGGCCAGCCTGGAGATAAGGTAACCCTTAATACTACCTGGATATAAAAAGAAAATGTCTC-3'
Protein context (NP_000081.2, residues 763-783): PTGPIGPPGP[Ala773Gly]GQPGDKGEGG

ClinVar aggregate classification (germline): Uncertain significance (1 of 4 stars; one submission).

Conditions:
Familial thoracic aortic aneurysm and aortic dissection (TAAD). Also called: Thoracic aortic aneurysms and dissections. Identifiers: Orphanet 91387, MedGen C4707243, MONDO:0019625.

Submission:

Color Diagnostics, LLC DBA Color Health
Classification: Uncertain significance for Familial thoracic aortic aneurysm and aortic dissection. Last evaluated: 2024-03-06. Review status: criteria provided, single submitter. Criteria: ACMG Guidelines, 2015. Collection method: clinical testing. Allele origin: germline.
Comment: This missense variant replaces alanine with glycine at codon 773 of the COL3A1 protein. Computational prediction suggests that this variant may not impact protein structure and function (internally defined REVEL score threshold <= 0.5, PMID: 27666373). To our knowledge, functional studies have not been reported for this variant. This variant has not been reported in individuals affected with cardiovascular disorders in the literature. This variant has not been identified in the general population by the Genome Aggregation Database (gnomAD). The available evidence is insufficient to determine the role of this variant in disease conclusively. Therefore, this variant is classified as a Variant of Uncertain Significance.